The following is an entry in ClinVar:

ClinVar aggregate classification (germline): Pathogenic/Likely pathogenic. Review status: criteria provided, multiple submitters, no conflicts (2 of 4 stars). 2 submissions from 2 submitters: Pathogenic (1); Likely pathogenic (1). Last evaluated 2026-01-24.

Conditions:
Rhabdoid tumor predisposition syndrome 2 (RTPS2). Identifiers: Orphanet 231108, Orphanet 69077, MedGen C2750074, MONDO:0013224, OMIM 613325.

Submissions (2):

Labcorp Genetics (formerly Invitae), Labcorp
Classification: Pathogenic for Rhabdoid tumor predisposition syndrome 2. Last evaluated: 2026-01-24. Review status: criteria provided, single submitter. Criteria: Invitae Variant Classification Sherloc (09022015). Collection method: clinical testing. Allele origin: germline.
Comment: This sequence change creates a premature translational stop signal (p.Glu77*) in the SMARCA4 gene. It is expected to result in an absent or disrupted protein product. Loss-of-function variants in SMARCA4 are known to be pathogenic (PMID: 24658001, 24658002). This variant is not present in population databases (gnomAD no frequency). This variant has not been reported in the literature in individuals affected with SMARCA4-related conditions. ClinVar contains an entry for this variant (Variation ID: 580699). For these reasons, this variant has been classified as Pathogenic.

Baylor Genetics
Classification: Likely pathogenic for Rhabdoid tumor predisposition syndrome 2. Last evaluated: 2023-04-14. Review status: criteria provided, single submitter. Criteria: ACMG Guidelines, 2015. Collection method: clinical testing. Allele origin: unknown.

Literature cited by the submitters: PubMed 24658001 (cited by Labcorp Genetics (formerly Invitae), Labcorp); PubMed 24658002 (cited by Labcorp Genetics (formerly Invitae), Labcorp).

NM_003072.5(SMARCA4):c.229G>T (p.Glu77Ter)

Gene: SMARCA4 (SWI/SNF related BAF chromatin remodeling complex subunit ATPase 4; plus strand). Cytogenetic location: 19p13.2.
Variant type: single nucleotide variant.
Coding change: c.229G>T on transcript NM_003072.5 (MANE Select); coding-DNA position 229, G replaced by T.
Protein change: p.Glu77Ter; replaces glutamic acid 77 with a stop codon.
Molecular consequence: nonsense. On other transcripts: non-coding transcript variant (1).
Genome position (GRCh38, 1-based): chr19:10,985,279, G>T. VCF-style: chr19-10985279-G-T. GRCh37 (hg19) VCF-style: chr19-11095955-G-T.
Other names: c.229G>T, p.Glu77Ter (NM_001128844.3, NM_001128845.2, NM_001128846.2 and 5 more transcripts); short protein forms E77*.
Identifiers: ClinVar variation 580699 (VCV000580699.7), dbSNP rs1568419675, ClinGen allele CA404055085.